The following is an entry in ClinVar:

NM_000548.5(TSC2):c.4685T>A (p.Leu1562Gln)

Gene: TSC2 (TSC complex subunit 2; plus strand). Cytogenetic location: 16p13.3.
Variant type: single nucleotide variant.
Coding change: c.4685T>A on transcript NM_000548.5 (MANE Select); coding-DNA position 4685, T replaced by A.
Protein change: p.Leu1562Gln; replaces leucine 1562 with glutamine.
Molecular consequence: missense variant.
Genome position (GRCh38, 1-based): chr16:2,086,215, T>A. VCF-style: chr16-2086215-T-A. GRCh37 (hg19) VCF-style: chr16-2136216-T-A.
Other names: c.4484T>A, p.Leu1495Gln (NM_001077183.3); c.4616T>A, p.Leu1539Gln (NM_001114382.3); c.4376T>A, p.Leu1459Gln (NM_001318827.2); c.4340T>A, p.Leu1447Gln (NM_001318829.2); c.3953T>A, p.Leu1318Gln (NM_001318831.2); c.4517T>A, p.Leu1506Gln (NM_001318832.2); c.4487T>A, p.Leu1496Gln (NM_001363528.2); c.4553T>A, p.Leu1518Gln (NM_001370404.1); and 26 more; short protein forms L1048Q, L1295Q, L1446Q, L1489Q, L1495Q, L1506Q, L1519Q, L1526Q.
Identifiers: ClinVar variation 2078251 (VCV002078251.4), dbSNP rs45517362, ClinGen allele CA394307067.

ClinVar aggregate classification (germline): Uncertain significance (1 of 4 stars; one submission).

Conditions:
Tuberous sclerosis 2 (TSC2). Identifiers: Orphanet 805, MedGen C1860707, MONDO:0013199, OMIM 613254.

Submission:

Labcorp Genetics (formerly Invitae), Labcorp
Classification: Uncertain significance for Tuberous sclerosis 2. Last evaluated: 2022-01-10. Review status: criteria provided, single submitter. Criteria: Invitae Variant Classification Sherloc (09022015). Collection method: clinical testing. Allele origin: germline.
Comment: This sequence change replaces leucine, which is neutral and non-polar, with glutamine, which is neutral and polar, at codon 1562 of the TSC2 protein (p.Leu1562Gln). This variant has not been reported in the literature in individuals affected with TSC2-related conditions. In summary, the available evidence is currently insufficient to determine the role of this variant in disease. Therefore, it has been classified as a Variant of Uncertain Significance. Algorithms developed to predict the effect of sequence changes on RNA splicing suggest that this variant may create or strengthen a splice site. Advanced modeling of protein sequence and biophysical properties (such as structural, functional, and spatial information, amino acid conservation, physicochemical variation, residue mobility, and thermodynamic stability) performed at Invitae indicates that this missense variant is expected to disrupt TSC2 protein function. This variant is not present in population databases (gnomAD no frequency).